The following is an entry in ClinVar:

NM_000080.4(CHRNE):c.918-6C>G

Genes: C17orf107 (chromosome 17 open reading frame 107; plus strand), CHRNE (cholinergic receptor nicotinic epsilon subunit; minus strand). Cytogenetic location: 17p13.2.
Variant type: single nucleotide variant.
Coding change: c.918-6C>G on transcript NM_000080.4 (MANE Select); 6 bases into the intron before coding-DNA position 918, C replaced by G.
Molecular consequence: intron variant. On other transcripts: 5 prime UTR variant (1).
Genome position (GRCh38, 1-based): chr17:4,899,588, G>C on the plus strand (C>G on the coding strand, the complement: CHRNE is on the minus strand). VCF-style: chr17-4899588-G-C. GRCh37 (hg19) VCF-style: chr17-4802883-G-C.
Other names: p.?; c.-175G>C (NM_001145536.2).
Identifiers: ClinVar variation 465865 (VCV000465865.50), dbSNP rs141408756, ClinGen allele CA8314100.

ClinVar aggregate classification (germline): Benign/Likely benign. Review status: criteria provided, multiple submitters, no conflicts (2 of 4 stars). 5 submissions from 5 submitters: Benign (1); Likely benign (4). Last evaluated 2026-02-04.

Conditions:
Congenital myasthenic syndrome 4A. Also called: Myasthenic syndrome, congenital, 4a, slow-channel; MYASTHENIC SYNDROME, CONGENITAL, 4A, SLOW-CHANNEL, AUTOSOMAL RECESSIVE; CONGENITAL MYASTHENIC SYNDROME TYPE Ia1. Identifiers: Orphanet 590, MedGen C4225413, MONDO:0011600, OMIM 605809.
Congenital myasthenic syndrome (CMS). Also called: Congenital Myasthenic Syndromes. Identifiers: Orphanet 590, MedGen C0751882, MeSH D020294, MONDO:0018940.

Allele frequency attached by ClinVar (database versions not stated): gnomAD 0.00277 and 0.00257; TOPMed 0.00295; 1000 Genomes Project 0.00300; 1000 Genomes Project 30x 0.00328; ESP Exome Variant Server 0.00339; gnomAD exomes 0.00023; ExAC 0.00144.
gnomAD v4.1: 708 of 1,564,110 alleles (0.045%); highest among the groups gnomAD compares: African/African-American, 0.87%; 2 homozygotes.

Submissions (8):

Labcorp Genetics (formerly Invitae), Labcorp
Classification: Benign for Congenital myasthenic syndrome 4A. Last evaluated: 2026-02-04. Review status: criteria provided, single submitter. Criteria: Invitae Variant Classification Sherloc (09022015). Collection method: clinical testing. Allele origin: germline.

Mayo Clinic Laboratories, Mayo Clinic
Classification: Likely benign. Last evaluated: 2025-08-15. Review status: criteria provided, single submitter. Criteria: ACMG Guidelines, 2015. Collection method: clinical testing. Allele origin: germline. Observed: 2 variant alleles.
Comment: BS1, BP4, BP7

CeGaT Center for Human Genetics Tuebingen
Classification: Likely benign. Last evaluated: 2025-04-01. Review status: criteria provided, single submitter. Criteria: CeGaT Center For Human Genetics Tuebingen Variant Classification Criteria Version 2. Collection method: clinical testing. Allele origin: germline. Affected: yes. Observed: 2 variant alleles.
Comment: CHRNE: BP4, BS2

GeneDx
Classification: Likely benign. Last evaluated: 2021-04-15. Review status: criteria provided, single submitter. Criteria: GeneDx Variant Classification Process June 2021. Collection method: clinical testing. Allele origin: germline. Affected: yes.

Illumina Laboratory Services, Illumina
Classification: Likely benign for Congenital myasthenic syndrome. Last evaluated: 2018-01-13. Review status: criteria provided, single submitter. Criteria: ICSL Variant Classification Criteria 13 December 2019. Collection method: clinical testing. Allele origin: germline.
Comment: This variant was observed in the ICSL laboratory as part of a predisposition screen in an ostensibly healthy population. It had not been previously curated by ICSL or reported in the Human Gene Mutation Database (HGMD: prior to June 1st, 2018), and was therefore a candidate for classification through an automated scoring system. Utilizing variant allele frequency, disease prevalence and penetrance estimates, and inheritance mode, an automated score was calculated to assess if this variant is too frequent to cause the disease. Based on the score and internal cut-off values, a variant classified as likely benign is not then subjected to further curation. The score for this variant resulted in a classification of likely benign for this disease.

Dr. Peter K. Rogan Lab, Western University
No classification provided (evidence only). Condition: Familial cancer of breast. Review status: no classification provided. Collection method: in vitro. Allele origin: not applicable. Functional consequence: retained intron. Not counted in ClinVar's aggregate classification.

Dr. Peter K. Rogan Lab, Western University
No classification provided (evidence only). Condition: Familial cancer of breast. Review status: no classification provided. Collection method: in vitro. Allele origin: not applicable. Functional consequence: retained intron. Not counted in ClinVar's aggregate classification.

Dr. Peter K. Rogan Lab, Western University
No classification provided (evidence only). Condition: Cervical cancer. Review status: no classification provided. Collection method: in vitro. Allele origin: not applicable. Functional consequence: retained intron. Not counted in ClinVar's aggregate classification.